The following is an entry in ClinVar:

ClinVar aggregate classification (germline): Uncertain significance (1 of 4 stars; one submission).

Submission:

Labcorp Genetics (formerly Invitae), Labcorp
Classification: Uncertain significance. Last evaluated: 2024-07-23. Review status: criteria provided, single submitter. Criteria: Invitae Variant Classification Sherloc (09022015). Collection method: clinical testing. Allele origin: germline.
Comment: This sequence change replaces serine, which is neutral and polar, with proline, which is neutral and non-polar, at codon 201 of the LOR protein (p.Ser201Pro). This variant is present in population databases (no rsID available, gnomAD 0.01%). This variant has not been reported in the literature in individuals affected with LOR-related conditions. Experimental studies and prediction algorithms are not available or were not evaluated, and the functional significance of this variant is currently unknown. In summary, the available evidence is currently insufficient to determine the role of this variant in disease. Therefore, it has been classified as a Variant of Uncertain Significance.

NM_000427.3(LORICRIN):c.601T>C (p.Ser201Pro)

Genes: LORICRIN (loricrin cornified envelope precursor protein; plus strand), LOC129931468 (ATAC-STARR-seq lymphoblastoid silent region 1338; plus strand). Cytogenetic location: 1q21.3.
Variant type: single nucleotide variant.
Coding change: c.601T>C on transcript NM_000427.3 (MANE Select); coding-DNA position 601, T replaced by C.
Protein change: p.Ser201Pro; replaces serine 201 with proline.
Molecular consequence: missense variant.
Genome position (GRCh38, 1-based): chr1:153,261,550, T>C. VCF-style: chr1-153261550-T-C. GRCh37 (hg19) VCF-style: chr1-153234026-T-C.
Other names: short protein forms S201P.
Identifiers: ClinVar variation 3708028 (VCV003708028.2).